The following is an entry in ClinVar:

ClinVar aggregate classification (germline): Uncertain significance (1 of 4 stars; one submission).

Submission:

Labcorp Genetics (formerly Invitae), Labcorp
Classification: Uncertain significance. Last evaluated: 2024-02-23. Review status: criteria provided, single submitter. Criteria: Invitae Variant Classification Sherloc (09022015). Collection method: clinical testing. Allele origin: germline.
Comment: This sequence change replaces leucine, which is neutral and non-polar, with isoleucine, which is neutral and non-polar, at codon 377 of the CTNNB1 protein (p.Leu377Ile). This variant is not present in population databases (gnomAD no frequency). This variant has not been reported in the literature in individuals affected with CTNNB1-related conditions. ClinVar contains an entry for this variant (Variation ID: 2103573). Advanced modeling of protein sequence and biophysical properties (such as structural, functional, and spatial information, amino acid conservation, physicochemical variation, residue mobility, and thermodynamic stability) performed at Invitae indicates that this missense variant is not expected to disrupt CTNNB1 protein function with a negative predictive value of 80%. In summary, the available evidence is currently insufficient to determine the role of this variant in disease. Therefore, it has been classified as a Variant of Uncertain Significance.

NM_001904.4(CTNNB1):c.1129C>A (p.Leu377Ile)

Gene: CTNNB1 (catenin beta 1; plus strand). Cytogenetic location: 3p22.1.
Variant type: single nucleotide variant.
Coding change: c.1129C>A on transcript NM_001904.4 (MANE Select); coding-DNA position 1129, C replaced by A.
Protein change: p.Leu377Ile; replaces leucine 377 with isoleucine.
Molecular consequence: missense variant.
Genome position (GRCh38, 1-based): chr3:41,233,388, C>A. VCF-style: chr3-41233388-C-A. GRCh37 (hg19) VCF-style: chr3-41274879-C-A.
Other names: c.1129C>A, p.Leu377Ile (NM_001098209.2, NM_001098210.2); c.1108C>A, p.Leu370Ile (NM_001330729.2); short protein forms L370I, L377I.
Identifiers: ClinVar variation 2103573 (VCV002103573.4), dbSNP rs2470825747, ClinGen allele CA352232113.